The following is an entry in ClinVar:

ClinVar aggregate classification (germline): Uncertain significance (1 of 4 stars; one submission).

Submission:

Labcorp Genetics (formerly Invitae), Labcorp
Classification: Uncertain significance. Last evaluated: 2022-06-11. Review status: criteria provided, single submitter. Criteria: Invitae Variant Classification Sherloc (09022015). Collection method: clinical testing. Allele origin: germline.
Comment: In summary, the available evidence is currently insufficient to determine the role of this variant in disease. Therefore, it has been classified as a Variant of Uncertain Significance. Algorithms developed to predict the effect of missense changes on protein structure and function output the following: SIFT: "Tolerated"; PolyPhen-2: "Not Available"; Align-GVGD: "Class C0". The threonine amino acid residue is found in multiple mammalian species, which suggests that this missense change does not adversely affect protein function. This variant has not been reported in the literature in individuals affected with FDX2-related conditions. The frequency data for this variant in the population databases is considered unreliable, as metrics indicate poor data quality at this position in the gnomAD database. This sequence change replaces alanine, which is neutral and non-polar, with threonine, which is neutral and polar, at codon 9 of the FDX2 protein (p.Ala9Thr).

NM_001397406.1(FDX2):c.16G>A (p.Ala6Thr)

Genes: FDX2 (ferredoxin 2; minus strand), FDX2-ZGLP1 (FDX2-ZGLP1 readthrough (NMD candidate); minus strand). Cytogenetic location: 19p13.2.
Variant type: single nucleotide variant.
Coding change: c.16G>A on transcript NM_001397406.1 (MANE Select); coding-DNA position 16, G replaced by A.
Protein change: p.Ala6Thr; replaces alanine 6 with threonine.
Molecular consequence: missense variant.
Genome position (GRCh38, 1-based): chr19:10,315,981, C>T on the plus strand (G>A on the coding strand, the complement: FDX2 is on the minus strand). VCF-style: chr19-10315981-C-T. GRCh37 (hg19) VCF-style: chr19-10426657-C-T.
Other names: c.25G>A, p.Ala9Thr (NM_001031734.4); short protein forms A6T, A9T.
Identifiers: ClinVar variation 1923429 (VCV001923429.5), dbSNP rs1351816148, ClinGen allele CA403979583.